The following is an entry in ClinVar:

NM_205861.3(DHDDS):c.476G>A (p.Arg159His)

Gene: DHDDS (dehydrodolichyl diphosphate synthase subunit; plus strand). Cytogenetic location: 1p36.11.
Variant type: single nucleotide variant.
Coding change: c.476G>A on transcript NM_205861.3 (MANE Select); coding-DNA position 476, G replaced by A.
Protein change: p.Arg159His; replaces arginine 159 with histidine.
Molecular consequence: missense variant. On other transcripts: intron variant (1).
Genome position (GRCh38, 1-based): chr1:26,447,594, G>A. VCF-style: chr1-26447594-G-A. GRCh37 (hg19) VCF-style: chr1-26774085-G-A.
Other names: c.359G>A, p.Arg120His (NM_001243565.2); c.197G>A, p.Arg66His (NM_001319959.2); c.476G>A, p.Arg159His (NM_024887.4); c.440+1162G>A (NM_001243564.2); short protein forms R120H, R159H, R66H.
Identifiers: ClinVar variation 1018485 (VCV001018485.9), dbSNP rs369429285, ClinGen allele CA705353.

ClinVar aggregate classification (germline): Uncertain significance. Review status: criteria provided, multiple submitters, no conflicts (2 of 4 stars). 5 submissions from 5 submitters: Uncertain significance (4). 1 of the submissions does not count toward it. Last evaluated 2026-05-11.

Conditions:
Retinitis pigmentosa 59 (RP59). Identifiers: Orphanet 791, MedGen C3151227, MONDO:0013468, OMIM 613861.
Inborn genetic diseases. Identifiers: MedGen C0950123, MeSH D030342.

Allele frequency attached by ClinVar (database versions not stated): gnomAD 0.00005; TOPMed 0.00005; ESP Exome Variant Server 0.00008.

Submissions (5):

Ambry Genetics
Classification: Uncertain significance for Inborn genetic diseases. Last evaluated: 2026-05-11. Review status: criteria provided, single submitter. Criteria: Ambry Variant Classification Scheme 2023. Collection method: clinical testing. Allele origin: germline.
Comment: The c.476G>A (p.R159H) alteration is located in exon 6 (coding exon 5) of the DHDDS gene. This alteration results from a G to A substitution at nucleotide position 476, causing the arginine (R) at amino acid position 159 to be replaced by a histidine (H). Based on data from gnomAD, the A allele has an overall frequency of 0.003% (8/282774) total alleles studied. The highest observed frequency was 0.016% (4/24970) of African alleles. Based on insufficient or conflicting evidence, the clinical significance of this alteration remains unclear.

Labcorp Genetics (formerly Invitae), Labcorp
Classification: Uncertain significance for Retinitis pigmentosa 59. Last evaluated: 2025-01-19. Review status: criteria provided, single submitter. Criteria: Invitae Variant Classification Sherloc (09022015). Collection method: clinical testing. Allele origin: germline.
Comment: This sequence change replaces arginine, which is basic and polar, with histidine, which is basic and polar, at codon 159 of the DHDDS protein (p.Arg159His). This variant is present in population databases (rs369429285, gnomAD 0.02%). This missense change has been observed in individual(s) with retinitis pigmentosa (PMID: 34906470). ClinVar contains an entry for this variant (Variation ID: 1018485). Invitae Evidence Modeling of protein sequence and biophysical properties (such as structural, functional, and spatial information, amino acid conservation, physicochemical variation, residue mobility, and thermodynamic stability) indicates that this missense variant is not expected to disrupt DHDDS protein function with a negative predictive value of 80%. In summary, the available evidence is currently insufficient to determine the role of this variant in disease. Therefore, it has been classified as a Variant of Uncertain Significance.

Blueprint Genetics
Classification: Uncertain significance. Last evaluated: 2024-05-28. Review status: criteria provided, single submitter. Criteria: ACMG Guidelines, 2015. Collection method: clinical testing. Allele origin: germline.

Ocular Genomics Institute, Massachusetts Eye and Ear
Classification: Uncertain significance for Retinitis pigmentosa 59. Last evaluated: 2021-04-08. Review status: criteria provided, single submitter. Criteria: ACMG Guidelines, 2015. Collection method: research. Allele origin: germline. Affected: yes.
Comment: Through a review of available evidence we were able to apply the following criteria: PM2. Based on this evidence we have classified this variant as Variant of Uncertain Significance.

Natera, Inc.
Classification: Uncertain significance for Retinitis pigmentosa type 59. Last evaluated: 2020-01-15. Review status: no assertion criteria provided. Collection method: clinical testing. Allele origin: germline. Not counted in ClinVar's aggregate classification.

Literature cited by the submitters: PubMed 34906470 (cited by Labcorp Genetics (formerly Invitae), Labcorp).